The following is an entry in ClinVar:

NM_015164.4(PLEKHM2):c.1246C>T (p.Gln416Ter)

Gene: PLEKHM2 (pleckstrin homology and RUN domain containing M2; plus strand). Cytogenetic location: 1p36.21.
Variant type: single nucleotide variant.
Coding change: c.1246C>T on transcript NM_015164.4 (MANE Select); coding-DNA position 1246, C replaced by T.
Protein change: p.Gln416Ter; replaces glutamine 416 with a stop codon.
Molecular consequence: nonsense.
Genome position (GRCh38, 1-based): chr1:15,727,318, C>T. VCF-style: chr1-15727318-C-T. GRCh37 (hg19) VCF-style: chr1-16053813-C-T.
Other names: c.1186C>T, p.Gln396Ter (NM_001410755.1); short protein forms Q396*, Q416*.
Identifiers: ClinVar variation 4812543 (VCV004812543.1).

ClinVar aggregate classification (germline): Uncertain significance (1 of 4 stars; one submission).

gnomAD v4.1: 1 of 1,601,082 alleles (0.000062%); highest among the groups gnomAD compares: East Asian, 0.0023%; no homozygotes.

Submission:

Labcorp Genetics (formerly Invitae), Labcorp
Classification: Uncertain significance. Last evaluated: 2025-10-27. Review status: criteria provided, single submitter. Criteria: Invitae Variant Classification Sherloc (09022015). Collection method: clinical testing. Allele origin: germline.
Comment: This sequence change creates a premature translational stop signal (p.Gln416*) in the PLEKHM2 gene. It is expected to result in an absent or disrupted protein product. However, the current clinical and genetic evidence is not sufficient to establish whether loss-of-function variants in PLEKHM2 cause disease. This variant is present in population databases (no rsID available, gnomAD 0.006%). This variant has not been reported in the literature in individuals affected with PLEKHM2-related conditions. In summary, the available evidence is currently insufficient to determine the role of this variant in disease. Therefore, it has been classified as a Variant of Uncertain Significance.